The following is an entry in ClinVar:

ClinVar aggregate classification (germline): Uncertain significance. Review status: criteria provided, multiple submitters, no conflicts (2 of 4 stars). 2 submissions from 2 submitters: Uncertain significance (2). Last evaluated 2024-07-15.

Conditions:
Hereditary cancer-predisposing syndrome. Also called: Hereditary neoplastic syndrome; Tumor predisposition; Hereditary Cancer Syndrome; Neoplastic Syndromes, Hereditary. Identifiers: Orphanet 140162, MedGen C0027672, MeSH D009386, MONDO:0015356.
Gastrointestinal stromal tumor. Also called: Gastrointestinal stroma tumor; Gastrointestinal stromal tumor, somatic. Identifiers: Orphanet 44890, MedGen C0238198, MeSH D046152, MONDO:0011719, OMIM 606764, HP:0100723.

Submissions (2):

Ambry Genetics
Classification: Uncertain significance for Hereditary cancer-predisposing syndrome. Last evaluated: 2024-07-15. Review status: criteria provided, single submitter. Criteria: Ambry Variant Classification Scheme 2023. Collection method: clinical testing. Allele origin: germline.
Comment: The p.V175M variant (also known as c.523G>A), located in coding exon 3 of the KIT gene, results from a G to A substitution at nucleotide position 523. The valine at codon 175 is replaced by methionine, an amino acid with highly similar properties. This amino acid position is conserved. In addition, the in silico prediction for this alteration is inconclusive. Based on the available evidence, the clinical significance of this variant remains unclear.

Labcorp Genetics (formerly Invitae), Labcorp
Classification: Uncertain significance for Gastrointestinal stromal tumor. Last evaluated: 2020-11-17. Review status: criteria provided, single submitter. Criteria: Invitae Variant Classification Sherloc (09022015). Collection method: clinical testing. Allele origin: germline.
Comment: This sequence change replaces valine with methionine at codon 175 of the KIT protein (p.Val175Met). The valine residue is highly conserved and there is a small physicochemical difference between valine and methionine. This variant is not present in population databases (ExAC no frequency). This variant has not been reported in the literature in individuals with KIT-related conditions. Algorithms developed to predict the effect of missense changes on protein structure and function are either unavailable or do not agree on the potential impact of this missense change (SIFT: "Deleterious"; PolyPhen-2: "Probably Damaging"; Align-GVGD: "Class C15"). In summary, the available evidence is currently insufficient to determine the role of this variant in disease. Therefore, it has been classified as a Variant of Uncertain Significance.

NM_000222.3(KIT):c.523G>A (p.Val175Met)

Gene: KIT (KIT proto-oncogene, receptor tyrosine kinase; plus strand). Cytogenetic location: 4q12.
Variant type: single nucleotide variant.
Coding change: c.523G>A on transcript NM_000222.3 (MANE Select); coding-DNA position 523, G replaced by A.
Protein change: p.Val175Met; replaces valine 175 with methionine.
Molecular consequence: missense variant.
Genome position (GRCh38, 1-based): chr4:54,698,469, G>A. VCF-style: chr4-54698469-G-A. GRCh37 (hg19) VCF-style: chr4-55564635-G-A.
Other names: c.523G>A (NM_000222.2); c.523G>A, p.Val175Met (NM_001093772.2, NM_001385284.1, NM_001385285.1 and 4 more transcripts); short protein forms V175M.
Identifiers: ClinVar variation 1484155 (VCV001484155.9), dbSNP rs2109673862, ClinGen allele CA356897773.
Genomic context (GRCh38, chr4:54,698,469, plus strand): 5'-CCTCTTCCCAAGGACTTGAGGTTTATTCCTGACCCCAAGGCGGGCATCATGATCAAAAGT[G>A]TGAAACGCGCCTACCATCGGCTCTGTCTGCATTGTTCTGTGGACCAGGAGGGCAAGTCAG-3'
Protein context (NP_000213.1, residues 165-185): DPKAGIMIKS[Val175Met]KRAYHRLCLH